The following is an entry in ClinVar:

ClinVar aggregate classification (germline): Likely benign. Review status: criteria provided, multiple submitters, no conflicts (2 of 4 stars). 2 submissions from 2 submitters: Likely benign (2). Last evaluated 2024-11-05.

Allele frequency attached by ClinVar (database versions not stated): TOPMed 0.00002; ESP Exome Variant Server 0.00008; gnomAD 0.00001; ExAC 0.00002; gnomAD exomes 0.00002.
gnomAD v4.1: 28 of 1,613,044 alleles (0.0017%); highest among the groups gnomAD compares: Middle Eastern, 0.035%; no homozygotes.

Submissions (2):

Labcorp Genetics (formerly Invitae), Labcorp
Classification: Likely benign. Last evaluated: 2024-11-05. Review status: criteria provided, single submitter. Criteria: Invitae Variant Classification Sherloc (09022015). Collection method: clinical testing. Allele origin: germline.

CeGaT Center for Human Genetics Tuebingen
Classification: Likely benign. Last evaluated: 2023-03-01. Review status: criteria provided, single submitter. Criteria: CeGaT Center For Human Genetics Tuebingen Variant Classification Criteria Version 2. Collection method: clinical testing. Allele origin: germline. Affected: yes. Observed: 1 variant allele.
Comment: CCBE1: BP4, BP7

NM_133459.4(CCBE1):c.537A>G (p.Lys179=)

Gene: CCBE1 (collagen and calcium binding EGF domains 1; minus strand). Cytogenetic location: 18q21.32.
Variant type: single nucleotide variant.
Coding change: c.537A>G on transcript NM_133459.4 (MANE Select); coding-DNA position 537, A replaced by G.
Protein change: p.Lys179=; no amino-acid change (lysine 179 retained).
Molecular consequence: synonymous variant.
Genome position (GRCh38, 1-based): chr18:59,466,755, T>C on the plus strand (A>G on the coding strand, the complement: CCBE1 is on the minus strand). VCF-style: chr18-59466755-T-C. GRCh37 (hg19) VCF-style: chr18-57133987-T-C.
Identifiers: ClinVar variation 1390926 (VCV001390926.31), dbSNP rs376156676, ClinGen allele CA8980467.
Genomic context (GRCh38, chr18:59,466,755, plus strand): 5'-TAAAAATATGTAATTAGGGAGATATTTAGACTTGCCCTACTTACCAGTGTCATTGGGATA[T>C]TTGTCTCCCCTGGTACATGTCTTCCCATCATCTTCCCGGATGTAGCCTTCCCGGCACTCG-3'
Protein context (NP_597716.1, residues 169-189): DDGKTCTRGD[Lys179=]YPNDTGHEKS